The following is an entry in ClinVar:

ClinVar aggregate classification (germline): Uncertain significance (1 of 4 stars; one submission).

Conditions:
Hereditary cancer-predisposing syndrome. Also called: Neoplastic Syndromes, Hereditary; Tumor predisposition; Hereditary Cancer Syndrome; Hereditary neoplastic syndrome. Identifiers: Orphanet 140162, MedGen C0027672, MeSH D009386, MONDO:0015356.

Submission:

Ambry Genetics
Classification: Uncertain significance for Hereditary cancer-predisposing syndrome. Last evaluated: 2014-02-27. Review status: criteria provided, single submitter. Criteria: Ambry Autosomal Dominant and X-Linked criteria (10/2015). Collection method: clinical testing. Allele origin: germline. Observed: 1 variant allele.
Comment: The p.K971I variant (also known as c.2912A>T), located in coding exon 18 of the ATM gene, results from an A to T substitution at nucleotide position 2912. The lysine at codon 971 is replaced by isoleucine, an amino acid with dissimilar properties. This variant was not reported in population based cohorts in the following databases: Database of Single Nucleotide Polymorphisms (dbSNP), NHLBI Exome Sequencing Project (ESP), and 1000 Genomes Project. This amino acid position is well conserved in available vertebrate species. To date, this alteration has been detected with an allele frequency of approximately 0.01% (greater than 9600 alleles tested) in our clinical cohort (includes this individual). In addition, this alteration is predicted to be benign and tolerated by PolyPhen and SIFT in silico analyses, respectively. Since supporting evidence is limited at this time, the clinical significance of p.K971I remains unclear.

NM_000051.4(ATM):c.2912A>T (p.Lys971Ile)

Gene: ATM (ATM serine/threonine kinase; plus strand). Cytogenetic location: 11q22.3.
Variant type: single nucleotide variant.
Coding change: c.2912A>T on transcript NM_000051.4 (MANE Select); coding-DNA position 2912, A replaced by T.
Protein change: p.Lys971Ile; replaces lysine 971 with isoleucine.
Molecular consequence: missense variant.
Genome position (GRCh38, 1-based): chr11:108,271,137, A>T. VCF-style: chr11-108271137-A-T. GRCh37 (hg19) VCF-style: chr11-108141864-A-T.
Other names: c.2912A>T, p.Lys971Ile (NM_001351834.2); short protein forms K971I.
Identifiers: ClinVar variation 141580 (VCV000141580.3), dbSNP rs587781855, ClinGen allele CA165846.